The following is an entry in ClinVar:

NM_001378454.1(ALMS1):c.57G>A (p.Glu19=)

Gene: ALMS1 (ALMS1 centrosome and basal body associated protein; plus strand). Cytogenetic location: 2p13.1.
Variant type: single nucleotide variant.
Coding change: c.57G>A on transcript NM_001378454.1 (MANE Select); coding-DNA position 57, G replaced by A.
Protein change: p.Glu19=; no amino-acid change (glutamic acid 19 retained).
Molecular consequence: synonymous variant.
Genome position (GRCh38, 1-based): chr2:73,385,925, G>A. VCF-style: chr2-73385925-G-A. GRCh37 (hg19) VCF-style: chr2-73613053-G-A.
Other names: c.60G>A, p.Glu20= (NM_015120.4).
Identifiers: ClinVar variation 550399 (VCV000550399.7), dbSNP rs866503570, ClinGen allele CA50368741.

ClinVar aggregate classification (germline): Likely benign. Review status: criteria provided, multiple submitters, no conflicts (2 of 4 stars). 3 submissions from 3 submitters: Likely benign (2). 1 of the submissions does not count toward it. Last evaluated 2026-05-01.

Conditions:
Alstrom syndrome (ALMS). Identifiers: Orphanet 64, MedGen C0268425, MONDO:0008763, OMIM 203800.

Submissions (3):

CeGaT Center for Human Genetics Tuebingen
Classification: Likely benign. Last evaluated: 2026-05-01. Review status: criteria provided, single submitter. Criteria: CeGaT Center For Human Genetics Tuebingen Variant Classification Criteria Version 2. Collection method: clinical testing. Allele origin: germline. Affected: yes. Observed: 1 variant allele.
Comment: ALMS1: BP4, BP7

Labcorp Genetics (formerly Invitae), Labcorp
Classification: Likely benign for Alstrom syndrome. Last evaluated: 2025-07-18. Review status: criteria provided, single submitter. Criteria: Invitae Variant Classification Sherloc (09022015). Collection method: clinical testing. Allele origin: germline.

Counsyl
Classification: Uncertain significance for Alstrom syndrome. Last evaluated: 2017-01-19. Review status: no assertion criteria provided. Collection method: clinical testing. Allele origin: unknown. Not counted in ClinVar's aggregate classification.